The following is an entry in ClinVar:

NM_004273.5(CHST3):c.434C>T (p.Ser145Phe)

Gene: CHST3 (carbohydrate sulfotransferase 3; plus strand). Cytogenetic location: 10q22.1.
Variant type: single nucleotide variant.
Coding change: c.434C>T on transcript NM_004273.5 (MANE Select); coding-DNA position 434, C replaced by T.
Protein change: p.Ser145Phe; replaces serine 145 with phenylalanine.
Molecular consequence: missense variant.
Genome position (GRCh38, 1-based): chr10:72,007,465, C>T. VCF-style: chr10-72007465-C-T. GRCh37 (hg19) VCF-style: chr10-73767223-C-T.
Other names: short protein forms S145F.
Identifiers: ClinVar variation 2088593 (VCV002088593.4), dbSNP rs780445863, ClinGen allele CA5548093.

ClinVar aggregate classification (germline): Uncertain significance (1 of 4 stars; one submission).

Conditions:
Spondyloepiphyseal dysplasia with congenital joint dislocations (SEDCJD). Also called: Chondrodysplasia with Congenital Joint Dislocations, CHST3-Related. Identifiers: Orphanet 263463, MedGen C1837657, MONDO:0007738, OMIM 143095.

Allele frequency attached by ClinVar (database versions not stated): ExAC 0.00001; gnomAD exomes below 0.00001.
gnomAD v4.1: 2 of 1,602,628 alleles (0.00012%); highest among the groups gnomAD compares: Non-Finnish European, 0.00017%; no homozygotes.

Submission:

Labcorp Genetics (formerly Invitae), Labcorp
Classification: Uncertain significance for Spondyloepiphyseal dysplasia with congenital joint dislocations. Last evaluated: 2024-11-25. Review status: criteria provided, single submitter. Criteria: Invitae Variant Classification Sherloc (09022015). Collection method: clinical testing. Allele origin: germline.
Comment: This sequence change replaces serine, which is neutral and polar, with phenylalanine, which is neutral and non-polar, at codon 145 of the CHST3 protein (p.Ser145Phe). This variant is present in population databases (rs780445863, gnomAD 0.0009%). This variant has not been reported in the literature in individuals affected with CHST3-related conditions. ClinVar contains an entry for this variant (Variation ID: 2088593). Invitae Evidence Modeling of protein sequence and biophysical properties (such as structural, functional, and spatial information, amino acid conservation, physicochemical variation, residue mobility, and thermodynamic stability) indicates that this missense variant is expected to disrupt CHST3 protein function with a positive predictive value of 95%. In summary, the available evidence is currently insufficient to determine the role of this variant in disease. Therefore, it has been classified as a Variant of Uncertain Significance.